The following is an entry in ClinVar:

NM_005228.5(EGFR):c.292C>G (p.Arg98Gly)

Gene: EGFR (epidermal growth factor receptor; plus strand). Cytogenetic location: 7p11.2.
Variant type: single nucleotide variant.
Coding change: c.292C>G on transcript NM_005228.5 (MANE Select); coding-DNA position 292, C replaced by G.
Protein change: p.Arg98Gly; replaces arginine 98 with glycine.
Molecular consequence: missense variant. On other transcripts: intron variant (1).
Genome position (GRCh38, 1-based): chr7:55,143,356, C>G. VCF-style: chr7-55143356-C-G. GRCh37 (hg19) VCF-style: chr7-55211049-C-G.
Other names: c.292C>G, p.Arg98Gly (NM_001346899.2, NM_201282.2, NM_201283.2 and 3 more transcripts); c.133C>G, p.Arg45Gly (NM_001346900.2); c.89-12474C>G (NM_001346941.2); short protein forms R45G, R98G.
Identifiers: ClinVar variation 4690450 (VCV004690450.2).

ClinVar aggregate classification (germline): Uncertain significance. Review status: criteria provided, multiple submitters, no conflicts (2 of 4 stars). 2 submissions from 2 submitters: Uncertain significance (2). Last evaluated 2026-05-14.

Conditions:
EGFR-related lung cancer (EGFR). Identifiers: MedGen CN130014.
Hereditary cancer-predisposing syndrome. Also called: Neoplastic Syndromes, Hereditary; Tumor predisposition; Hereditary Cancer Syndrome; Hereditary neoplastic syndrome. Identifiers: Orphanet 140162, MedGen C0027672, MeSH D009386, MONDO:0015356.

gnomAD v4.1: 1 of 1,614,134 alleles (0.000062%); highest among the groups gnomAD compares: Non-Finnish European, 0.000085%; no homozygotes.

Submissions (2):

Ambry Genetics
Classification: Uncertain significance for Hereditary cancer-predisposing syndrome. Last evaluated: 2026-05-14. Review status: criteria provided, single submitter. Criteria: Ambry Variant Classification Scheme 2023. Collection method: clinical testing. Allele origin: germline.
Comment: The p.R98G variant (also known as c.292C>G), located in coding exon 3 of the EGFR gene, results from a C to G substitution at nucleotide position 292. The arginine at codon 98 is replaced by glycine, an amino acid with dissimilar properties. This amino acid position is conserved. In addition, this alteration is predicted to be tolerated by in silico analysis. Based on the available evidence, the clinical significance of this variant remains unclear.

Labcorp Genetics (formerly Invitae), Labcorp
Classification: Uncertain significance for EGFR-related lung cancer. Last evaluated: 2025-03-30. Review status: criteria provided, single submitter. Criteria: Invitae Variant Classification Sherloc (09022015). Collection method: clinical testing. Allele origin: germline.
Comment: This sequence change replaces arginine, which is basic and polar, with glycine, which is neutral and non-polar, at codon 98 of the EGFR protein (p.Arg98Gly). This variant is not present in population databases (gnomAD no frequency). This variant has not been reported in the literature in individuals affected with EGFR-related conditions. Invitae Evidence Modeling of protein sequence and biophysical properties (such as structural, functional, and spatial information, amino acid conservation, physicochemical variation, residue mobility, and thermodynamic stability) indicates that this missense variant is not expected to disrupt EGFR protein function with a negative predictive value of 80%. In summary, the available evidence is currently insufficient to determine the role of this variant in disease. Therefore, it has been classified as a Variant of Uncertain Significance.